The following is an entry in ClinVar:

ClinVar aggregate classification (germline): Benign. Review status: criteria provided, multiple submitters, no conflicts (2 of 4 stars). 4 submissions from 4 submitters: Benign (4). Last evaluated 2021-07-15.

Conditions:
Long QT syndrome 12 (LQT12). Identifiers: Orphanet 101016, Orphanet 768, MedGen C2751830, MONDO:0013062, OMIM 612955.

Allele frequency attached by ClinVar (database versions not stated): gnomAD exomes 0.68638 and 0.69763; ESP Exome Variant Server 0.68722; 1000 Genomes Project 0.68770; gnomAD 0.69043 and 0.69088; 1000 Genomes Project 30x 0.69332; ExAC 0.69545; TOPMed 0.70029.
gnomAD v4.1: 1,103,490 of 1,607,306 alleles (69%); highest among the groups gnomAD compares: Admixed American, 79%; 379,709 homozygotes.

Submissions (4):

Genome-Nilou Lab
Classification: Benign for Long QT syndrome 12. Last evaluated: 2021-07-15. Review status: criteria provided, single submitter. Criteria: ACMG Guidelines, 2015. Collection method: clinical testing. Allele origin: germline. Affected: no.

GeneDx
Classification: Benign. Last evaluated: 2018-06-14. Review status: criteria provided, single submitter. Criteria: GeneDx Variant Classification (06012015). Collection method: clinical testing. Allele origin: germline. Affected: yes.
Comment: This variant is considered likely benign or benign based on one or more of the following criteria: it is a conservative change, it occurs at a poorly conserved position in the protein, it is predicted to be benign by multiple in silico algorithms, and/or has population frequency not consistent with disease.

Mayo Clinic Laboratories, Mayo Clinic
Classification: Benign. Last evaluated: 2014-12-11. Review status: criteria provided, single submitter. Criteria: ACMG Guidelines, 2015. Collection method: clinical testing. Allele origin: germline. Observed: 349 variant alleles.

Breakthrough Genomics
Classification: Benign. Review status: criteria provided, single submitter. Criteria: ACMG Guidelines, 2015. Collection method: not provided. Allele origin: germline. Inheritance: Autosomal dominant inheritance. Affected: yes.

NM_003098.3(SNTA1):c.909+30T>C

Gene: SNTA1 (syntrophin alpha 1; minus strand). Cytogenetic location: 20q11.21.
Variant type: single nucleotide variant.
Coding change: c.909+30T>C on transcript NM_003098.3 (MANE Select); 30 bases into the intron after coding-DNA position 909, T replaced by C.
Molecular consequence: intron variant.
Genome position (GRCh38, 1-based): chr20:33,412,545, A>G on the plus strand (T>C on the coding strand, the complement: SNTA1 is on the minus strand). VCF-style: chr20-33412545-A-G. GRCh37 (hg19) VCF-style: chr20-32000351-A-G.
Identifiers: ClinVar variation 670951 (VCV000670951.5), dbSNP rs291694, ClinGen allele CA9817110.